The following is an entry in ClinVar:

ClinVar aggregate classification (germline): Likely benign. Review status: criteria provided, multiple submitters, no conflicts (2 of 4 stars). 4 submissions from 4 submitters: Likely benign (3). 1 of the submissions does not count toward it. Last evaluated 2026-01-07.

Conditions:
COPA-related disorder. Also called: COPA-related condition.
Autoimmune interstitial lung disease-arthritis syndrome. Also called: Autoinflammation and autoimmunity, systemic, with immune dysregulation. Identifiers: Orphanet 444092, MedGen C5975714, MONDO:0014629.

Allele frequency attached by ClinVar (database versions not stated): 1000 Genomes Project 0.00060; 1000 Genomes Project 30x 0.00062; ExAC 0.00069; TOPMed 0.00022; gnomAD 0.00029; ESP Exome Variant Server 0.00046.
gnomAD v4.1: 695 of 1,613,592 alleles (0.043%); highest among the groups gnomAD compares: Non-Finnish European, 0.053%; 1 homozygote.

Submissions (4):

Labcorp Genetics (formerly Invitae), Labcorp
Classification: Likely benign for Autoimmune interstitial lung disease-arthritis syndrome. Last evaluated: 2026-01-07. Review status: criteria provided, single submitter. Criteria: Invitae Variant Classification Sherloc (09022015). Collection method: clinical testing. Allele origin: germline.

Blueprint Genetics
Classification: Likely benign. Last evaluated: 2024-11-05. Review status: criteria provided, single submitter. Criteria: ACMG Guidelines, 2015. Collection method: clinical testing. Allele origin: germline.

Breakthrough Genomics
Classification: Likely benign. Review status: criteria provided, single submitter. Criteria: ACMG Guidelines, 2015. Collection method: not provided. Allele origin: germline. Inheritance: Autosomal dominant inheritance. Affected: yes.

PreventionGenetics, part of Exact Sciences
Classification: Likely benign for COPA-related condition. Last evaluated: 2023-03-04. Review status: no assertion criteria provided. Collection method: clinical testing. Allele origin: germline. Not counted in ClinVar's aggregate classification.
Comment: This variant is classified as likely benign based on ACMG/AMP sequence variant interpretation guidelines (Richards et al. 2015 PMID: 25741868, with internal and published modifications).

NM_004371.4(COPA):c.2420A>C (p.Asn807Thr)

Gene: COPA (coat protein complex I subunit alpha; minus strand). Cytogenetic location: 1q23.2.
Variant type: single nucleotide variant.
Coding change: c.2420A>C on transcript NM_004371.4 (MANE Select); coding-DNA position 2420, A replaced by C.
Protein change: p.Asn807Thr; replaces asparagine 807 with threonine.
Molecular consequence: missense variant.
Genome position (GRCh38, 1-based): chr1:160,295,792, T>G on the plus strand (A>C on the coding strand, the complement: COPA is on the minus strand). VCF-style: chr1-160295792-T-G. GRCh37 (hg19) VCF-style: chr1-160265582-T-G.
Other names: c.2447A>C, p.Asn816Thr (NM_001098398.2); short protein forms N807T, N816T.
Identifiers: ClinVar variation 784958 (VCV000784958.15), dbSNP rs199630217, ClinGen allele CA1197891.
Genomic context (GRCh38, chr1:160,295,792, plus strand): 5'-TTACCTTTGCTGGCAATGGTGCCTTCAAAAAATCCTTTGGATACAGTCAATAAAGGCCAA[T>G]TGGTATCCAATGGCATGATAGGTGCAGGTGGCTGGAGCAGCTTGGCATTAGGGTCAATGT-3'
Protein context (NP_004362.2, residues 797-817): PPAPIMPLDT[Asn807Thr]WPLLTVSKGF